The following is an entry in ClinVar:

ClinVar aggregate classification (germline): Pathogenic. Review status: reviewed by expert panel (3 of 4 stars). 3 submissions from 3 submitters: Pathogenic (1). 2 of the submissions do not count toward it. Last evaluated 2016-10-18.

Conditions:
Breast-ovarian cancer, familial, susceptibility to, 1 (BROVCA1). Also called: BRCA1 Hereditary Breast and Ovarian Cancer; OVARIAN CANCER, SUSCEPTIBILITY TO. Identifiers: Orphanet 145, MedGen C2676676, MONDO:0011450, OMIM 604370. Disease mechanism: loss of function.
Breast carcinoma. Also called: Carcinoma of breast. Identifiers: MedGen C0678222, MONDO:0004989, HP:0003002.

Submissions (3):

Evidence-based Network for the Interpretation of Germline Mutant Alleles (ENIGMA)
Classification: Pathogenic for Breast-ovarian cancer, familial, susceptibility to, 1. Last evaluated: 2016-10-18. Review status: reviewed by expert panel. Criteria: ENIGMA BRCA1/2 Classification Criteria (2015). Collection method: curation. Allele origin: germline.
Comment: Variant allele predicted to encode a truncated non-functional protein.

Consortium of Investigators of Modifiers of BRCA1/2 (CIMBA), c/o University of Cambridge
Classification: Pathogenic for Breast-ovarian cancer, familial, susceptibility to, 1. Last evaluated: 2015-10-02. Review status: criteria provided, single submitter. Criteria: CIMBA Mutation Classification guidelines May 2016. Collection method: clinical testing. Allele origin: germline. Not counted in ClinVar's aggregate classification.

Medical Genetics Laboratory, Umraniye Training and Research Hospital, University of Health Sciences
Classification: Pathogenic for Breast carcinoma. Last evaluated: 2021-08-10. Review status: no assertion criteria provided. Collection method: clinical testing. Allele origin: germline. Inheritance: Autosomal dominant inheritance. Affected: yes. Observed: 1 variant allele, 1 heterozygote. Not counted in ClinVar's aggregate classification.

NM_007294.4(BRCA1):c.2536G>T (p.Glu846Ter)

Gene: BRCA1 (BRCA1 DNA repair associated; minus strand). Cytogenetic location: 17q21.31.
Variant type: single nucleotide variant.
Coding change: c.2536G>T on transcript NM_007294.4 (MANE Select); coding-DNA position 2536, G replaced by T.
Protein change: p.Glu846Ter; replaces glutamic acid 846 with a stop codon.
Molecular consequence: nonsense. On other transcripts: intron variant (137).
Genome position (GRCh38, 1-based): chr17:43,092,995, C>A on the plus strand (G>T on the coding strand, the complement: BRCA1 is on the minus strand). VCF-style: chr17-43092995-C-A. GRCh37 (hg19) VCF-style: chr17-41245012-C-A.
Other names: 2655G>T; c.2323G>T, p.Glu775Ter (NM_001407571.1, NM_001407915.1, NM_001407853.1 and 9 more transcripts); c.2536G>T, p.Glu846Ter (NM_001407581.1, NM_001407582.1, NM_001407583.1 and 30 more transcripts); c.2533G>T, p.Glu845Ter (NM_001407587.1, NM_001407590.1, NM_001407591.1 and 22 more transcripts); c.2410G>T, p.Glu804Ter (NM_001407649.1, NM_001407670.1, NM_001407671.1 and 11 more transcripts); c.2458G>T, p.Glu820Ter (NM_001407653.1, NM_001407654.1, NM_001407655.1 and 4 more transcripts); c.2455G>T, p.Glu819Ter (NM_001407659.1, NM_001407660.1, NM_001407661.1 and 1 more transcripts); c.2413G>T, p.Glu805Ter (NM_001407674.1, NM_001407675.1, NM_001407676.1 and 19 more transcripts); and 42 more; short protein forms E846*, E799*, E678*, E718*, E719*, E757*, E778*, E779*.
Identifiers: ClinVar variation 266276 (VCV000266276.8), dbSNP rs786203523, ClinGen allele CA10589839.